The following is an entry in ClinVar:

NM_001267550.2(TTN):c.59926C>T (p.His19976Tyr)

Genes: TTN (titin; minus strand), TTN-AS1 (TTN antisense RNA 1; plus strand), LOC126806424 (CDK7 strongly-dependent group 2 enhancer GRCh37_chr2:179456337-179457536; plus strand). Cytogenetic location: 2q31.2.
Variant type: single nucleotide variant.
Coding change: c.59926C>T on transcript NM_001267550.2 (MANE Select); coding-DNA position 59926, C replaced by T.
Protein change: p.His19976Tyr; replaces histidine 19976 with tyrosine.
Molecular consequence: missense variant.
Genome position (GRCh38, 1-based): chr2:178,591,978, G>A on the plus strand (C>T on the coding strand, the complement: TTN is on the minus strand). VCF-style: chr2-178591978-G-A. GRCh37 (hg19) VCF-style: chr2-179456705-G-A.
Other names: p.H18335Y:CAT>TAT; c.33106C>T, p.His11036Tyr (NM_133432.3); c.33307C>T, p.His11103Tyr (NM_133437.4); c.59926C>T (NM_001267550.1); c.55003C>T, p.His18335Tyr (NM_001256850.1); c.32731C>T, p.His10911Tyr (NM_003319.4); c.52222C>T, p.His17408Tyr (NM_133378.4); short protein forms H17408Y, H19976Y, H18335Y, H10911Y, H11036Y, H11103Y.
Identifiers: ClinVar variation 165933 (VCV000165933.28), dbSNP rs727503588, ClinGen allele CA178643.

ClinVar aggregate classification (germline): Conflicting classifications of pathogenicity. Review status: criteria provided, conflicting classifications (1 of 4 stars). 11 submissions from 11 submitters: Uncertain significance (8); Likely benign (3). Last evaluated 2026-01-20.

Conditions:
TTN-related disorder. Also called: TTN-related condition; TTN-related disease; TTN-related disorders.
Cardiovascular phenotype. Identifiers: MedGen CN230736.
Dilated cardiomyopathy 1G (CMD1G). Identifiers: Orphanet 154, MedGen C1858763, MONDO:0011400, OMIM 604145.
Autosomal recessive limb-girdle muscular dystrophy type 2J (LGMDR10). Also called: Limb-girdle muscular dystrophy, type 2J; MUSCULAR DYSTROPHY, LIMB-GIRDLE, AUTOSOMAL RECESSIVE 10. Identifiers: Orphanet 140922, MedGen C1837342, MONDO:0012127, OMIM 608807.
Early-onset myopathy with fatal cardiomyopathy (CMYO5). Also called: Salih Myopathy; CONGENITAL MYOPATHY 5 WITH CARDIOMYOPATHY. Identifiers: Orphanet 289377, MedGen C2673677, MONDO:0012714, OMIM 611705. Disease mechanism: loss of function.
Hypertrophic cardiomyopathy 9. Also called: Familial hypertrophic cardiomyopathy 9. Identifiers: MedGen C1861065, MONDO:0013412, OMIM 613765.
Tibial muscular dystrophy (TMD). Also called: UDD MYOPATHY; Tibial muscular dystrophy, tardive; Udd Distal Myopathy – Tibial Muscular Dystrophy. Identifiers: Orphanet 609, MedGen C1838244, MONDO:0010870, OMIM 600334.
Myopathy, myofibrillar, 9, with early respiratory failure (MFM9). Also called: Hereditary myopathy with early respiratory failure; MYOPATHY, PROXIMAL, WITH EARLY RESPIRATORY MUSCLE INVOLVEMENT; Myopathy, distal, with early respiratory failure, autosomal dominant; EDSTROM MYOPATHY. Identifiers: Orphanet 178464, Orphanet 34521, MedGen C1863599, MONDO:0011362, OMIM 603689.

Allele frequency attached by ClinVar (database versions not stated): gnomAD exomes 0.00002 and 0.00005; gnomAD 0.00003 and 0.00005; TOPMed 0.00003; ExAC 0.00004.
gnomAD v4.1: 55 of 1,611,362 alleles (0.0034%); highest among the groups gnomAD compares: East Asian, 0.018%; no homozygotes.

Submissions (11):

PreventionGenetics, part of Exact Sciences
Classification: Uncertain significance for TTN-related condition. Last evaluated: 2026-01-20. Review status: criteria provided, single submitter. Criteria: ACMG Guidelines, 2015. Collection method: clinical testing. Allele origin: germline.
Comment: The TTN c.59926C>T variant is predicted to result in the amino acid substitution p.His19976Tyr. To our knowledge, this variant has not been reported in the literature. This variant is reported in 0.031% of alleles in individuals of East Asian descent in gnomAD. At this time, the clinical significance of this variant is uncertain due to the absence of conclusive functional and genetic evidence.

Revvity Omics, Revvity
Classification: Uncertain significance. Last evaluated: 2024-10-16. Review status: criteria provided, single submitter. Criteria: ACMG Guidelines, 2015. Collection method: clinical testing. Allele origin: germline.

Blueprint Genetics
Classification: Likely benign. Last evaluated: 2024-10-14. Review status: criteria provided, single submitter. Criteria: ACMG Guidelines, 2015. Collection method: clinical testing. Allele origin: germline.

Victorian Clinical Genetics Services, Murdoch Childrens Research Institute
Classification: Uncertain significance for Dilated cardiomyopathy 1G. Last evaluated: 2022-02-02. Review status: criteria provided, single submitter. Criteria: ACMG Guidelines, 2015. Collection method: clinical testing. Allele origin: germline. Inheritance: Autosomal dominant inheritance. Affected: yes.
Comment: Based on the classification scheme VCGS_Germline_v1.3.4, this variant is classified as VUS-3C. Following criteria are met: 0102 - Loss of function is known mechanism of disease in this gene. In addition, dominant-negative is also a suggested mechanism. (PMID: 25589632). (I) 0108 - This gene is associated with both recessive and dominant disease (OMIM). (I) 0112 - The condition associated with this gene has incomplete penetrance. Variants in this gene that result in a premature truncating codon (PTC) are known to have reduced penetrance in DCM (PMID: 25589632). (I) 0200 - Variant is predicted to result in a missense amino acid change from histidine to tyrosine. (I) 0251 - This variant is heterozygous. (I) 0302 - Variant is present in gnomAD (v2) <0.001 for a dominant condition (15 heterozygotes, 0 homozygotes). (SP) 0503 - Missense variant consistently predicted to be tolerated by multiple in silico tools or not conserved in placental mammals with a minor amino acid change. (SB) 0600 - Variant is located in the annotated C-terminal A-band and the exon has a PSI score of 100 (PMID: 25589632). (I) 0705 - No comparable missense variants have previous evidence for pathogenicity. (I) 0808 - Previous reports of pathogenicity for this variant are conflicting. This variant has been reported as both a VUS and as likely benign (ClinVar, LOVD, VCGS). (I) 0905 - No published segregation evidence has been identified for this variant. (I) 1007 - No published functional evidence has been identified for this variant. (I) 1208 - Inheritance information for this variant is not currently available in this individual. (I) Legend: (SP) - Supporting pathogenic, (I) - Information, (SB) - Supporting benign

New York Genome Center
Classification: Uncertain significance for Hypertrophic cardiomyopathy 9; Dilated cardiomyopathy 1G. Last evaluated: 2022-01-28. Review status: criteria provided, single submitter. Criteria: NYGC Assertion Criteria 2020. Collection method: clinical testing. Allele origin: germline. Observed: 1 heterozygote.
Comment: The c.59926C>T (p.His19976Tyr) missense variant identified in the TTN gene has not been reported in affected individuals in the literature. The variant has 0.00003946 allele frequency in the gnomAD (v3.1.2) database (6 out of 152058 heterozygous alleles, no homozygotes) suggesting it is not a common benign variant in the populations represented in that database. The variant has been reported in the ClinVar database as a variant of uncertain significance (4 entries) and likely benign (2 entries) (Variation ID: 165933). The variant affects a moderately conserved residue (His19976) located in the A-band domain of the TTN gene (PMID: 25589632). The TTN gene has 363 exons (transcript NM_001267550.2), and this variant alters the last nucleotide of exon 302 suggesting that it may affect the normal mRNA splicing. In silico tools provide conflicting predictions about potential pathogenicity of this variant (CADD score = 22.5,REVEL score = 0.082, Splice AI = 0.00, TRAP = 0.551]. Based on the available evidence, the c.59926C>T (p.His19976Tyr) missense variant identified in the TTN gene is reported as a Variant of Uncertain Significance.

GeneDx
Classification: Likely benign. Last evaluated: 2021-03-31. Review status: criteria provided, single submitter. Criteria: GeneDx Variant Classification Process June 2021. Collection method: clinical testing. Allele origin: germline. Affected: yes.

Ambry Genetics
Classification: Likely benign for Cardiovascular phenotype. Last evaluated: 2020-03-26. Review status: criteria provided, single submitter. Criteria: Ambry Variant Classification Scheme 2023. Collection method: clinical testing. Allele origin: germline.

ARUP Laboratories, Molecular Genetics and Genomics, ARUP Laboratories
Classification: Uncertain significance. Last evaluated: 2019-03-01. Review status: criteria provided, single submitter. Criteria: ARUP Molecular Germline Variant Investigation Process. Collection method: clinical testing. Allele origin: germline.
Comment: The c.52222C>T; p.His17408Tyr variant (rs727503588) has not been reported in the medical literature, gene specific variation databases, nor has it been previously identified by our laboratory. This variant is listed in the Genome Aggregation Database (gnomAD) with an overall frequency of 0.03 percent in the East Asian population (identified on 6 out of 19,198 chromosomes). This variant is directly 5' to a canonical donor splice site, and though a variant of this adjacent base has been reported in dilated cardiomyopathy, the c.52222C>T has not been reported. This missense variant affects a moderately conserved nucleotide, and computational analyses (Alamut v.2.11) predict that this variant may impact splicing by weakening the nearby canonical splice site. Without functional mRNA splicing however, the p.His17408Tyr variant cannot be classified with certainty.

Fulgent Genetics
Classification: Uncertain significance for Tibial muscular dystrophy; Myopathy, myofibrillar, 9, with early respiratory failure; Dilated cardiomyopathy 1G; Autosomal recessive limb-girdle muscular dystrophy type 2J; Early-onset myopathy with fatal cardiomyopathy; Hypertrophic cardiomyopathy 9. Last evaluated: 2018-10-31. Review status: criteria provided, single submitter. Criteria: ACMG Guidelines, 2015. Collection method: clinical testing. Allele origin: unknown.

Labcorp Genetics (formerly Invitae), Labcorp
Classification: Uncertain significance for Dilated cardiomyopathy 1G; Autosomal recessive limb-girdle muscular dystrophy type 2J. Last evaluated: 2016-12-25. Review status: criteria provided, single submitter. Criteria: Invitae Variant Classification Sherloc (09022015). Collection method: clinical testing. Allele origin: germline.

Laboratory for Molecular Medicine, Mass General Brigham Personalized Medicine
Classification: Uncertain significance. Last evaluated: 2014-05-01. Review status: criteria provided, single submitter. Criteria: LMM Criteria. Collection method: clinical testing. Allele origin: germline. Observed: 1 variant allele.
Comment: Variant classified as Uncertain Significance - Favor Benign. The His17408Tyr var iant in TTN has not been previously reported in individuals with cardiomyopathy or in large population studies. Computational prediction tools and conservation analysis suggest that this variant may not impact the protein, though this infor mation is not predictive enough to rule out pathogenicity. It should be noted th at several other species (armadillo, green seaturtle, painted turtle, and 5 fish es) carry a tyrosine (Tyr) at this position, suggesting that this change may be tolerated. This variant is located in the last three bases of the exon, which is part of the 5' splice region. Computational tools do not predict altered splici ng, though this information is not predictive enough to rule out pathogenicity. In summary, while the clinical significance of the His17408Tyr variant is uncert ain, the presence of this variant in other species suggests that it is more like ly to be benign.

Literature cited by the submitters: PubMed 25589632 (cited by Victorian Clinical Genetics Services, Murdoch Childrens Research Institute).